The following is an entry in ClinVar:

NM_025103.4(IFT74):c.1499A>C (p.Lys500Thr)

Gene: IFT74 (intraflagellar transport 74; plus strand). Cytogenetic location: 9p21.2.
Variant type: single nucleotide variant.
Coding change: c.1499A>C on transcript NM_025103.4 (MANE Select); coding-DNA position 1499, A replaced by C.
Protein change: p.Lys500Thr; replaces lysine 500 with threonine.
Molecular consequence: missense variant.
Genome position (GRCh38, 1-based): chr9:27,056,335, A>C. VCF-style: chr9-27056335-A-C. GRCh37 (hg19) VCF-style: chr9-27056333-A-C.
Other names: c.1499A>C, p.Lys500Thr (NM_001099222.3, NM_001099223.3, NM_001349928.2); short protein forms K500T.
Identifiers: ClinVar variation 1386036 (VCV001386036.3), dbSNP rs1284257974, ClinGen allele CA373128523.

ClinVar aggregate classification (germline): Uncertain significance (1 of 4 stars; one submission).

Allele frequency attached by ClinVar (database versions not stated): TOPMed below 0.00001.
gnomAD v4.1: 1 of 1,559,830 alleles (0.000064%); no homozygotes.

Submission:

Labcorp Genetics (formerly Invitae), Labcorp
Classification: Uncertain significance. Last evaluated: 2022-08-16. Review status: criteria provided, single submitter. Criteria: Invitae Variant Classification Sherloc (09022015). Collection method: clinical testing. Allele origin: germline.
Comment: This sequence change replaces lysine, which is basic and polar, with threonine, which is neutral and polar, at codon 500 of the IFT74 protein (p.Lys500Thr). This variant is not present in population databases (gnomAD no frequency). This variant has not been reported in the literature in individuals affected with IFT74-related conditions. ClinVar contains an entry for this variant (Variation ID: 1386036). Algorithms developed to predict the effect of missense changes on protein structure and function are either unavailable or do not agree on the potential impact of this missense change (SIFT: "Deleterious"; PolyPhen-2: "Benign"; Align-GVGD: "Class C0"). In summary, the available evidence is currently insufficient to determine the role of this variant in disease. Therefore, it has been classified as a Variant of Uncertain Significance.